The following is an entry in ClinVar:

NM_002485.5(NBN):c.2152del (p.Glu718fs)

Gene: NBN (nibrin; minus strand). Cytogenetic location: 8q21.3.
Variant type: Deletion.
Coding change: c.2152del on transcript NM_002485.5 (MANE Select); coding-DNA position 2152, one base deleted (G; older notation c.2152delG).
Protein change: p.Glu718fs; shifts the reading frame from glutamic acid 718.
Molecular consequence: frameshift variant.
Genome position (GRCh38, 1-based): chr8:89,943,285, C deleted on the plus strand (G on the coding strand, the reverse complement: NBN is on the minus strand). VCF-style (leftmost placement, unchanged base first): chr8-89943284-TC-T. GRCh37 (hg19) VCF-style: chr8-90955512-TC-T.
Other names: c.1906del, p.Glu636fs (NM_001024688.3); short protein forms E636fs, E718fs.
Identifiers: ClinVar variation 2091655 (VCV002091655.4), dbSNP rs2488191040, ClinGen allele CA2580079013.
Genomic context (GRCh38, chr8:89,943,284, plus strand): 5'-CAAGTTTCTGGGCCTCACTTCCTACTAACCTCCATTTCCTGCCTTAGCCACTCTTCTAGT[TC>T]TGTATTCTTTCGAGCATGATGAGCTATTAGATCTGATCCTCCAATGATGTGTGGAAGTTT-3'

ClinVar aggregate classification (germline): Pathogenic (1 of 4 stars; one submission).

Conditions:
Microcephaly, normal intelligence and immunodeficiency (NBS). Also called: Immunodeficiency, microcephaly with normal intelligence; Ataxia telangiectasia variant V1; BERLIN BREAKAGE SYNDROME; Nijmegen breakage syndrome; Microcephaly with normal intelligence immunodeficiency and lymphoreticular malignancies; Nonsyndromal microcephaly autosomal recessive with normal intelligence. Identifiers: Orphanet 647, MedGen C0398791, MONDO:0009623, OMIM 251260.

Submission:

Labcorp Genetics (formerly Invitae), Labcorp
Classification: Pathogenic for Microcephaly, normal intelligence and immunodeficiency. Last evaluated: 2022-02-01. Review status: criteria provided, single submitter. Criteria: Invitae Variant Classification Sherloc (09022015). Collection method: clinical testing. Allele origin: germline.
Comment: This sequence change creates a premature translational stop signal (p.Glu718Asnfs*2) in the NBN gene. It is expected to result in an absent or disrupted protein product. Loss-of-function variants in NBN are known to be pathogenic (PMID: 9590180, 16415040). This variant is not present in population databases (gnomAD no frequency). For these reasons, this variant has been classified as Pathogenic. This variant has not been reported in the literature in individuals affected with NBN-related conditions.

Literature cited by the submitters: PubMed 9590180; PubMed 16415040.